The following is an entry in ClinVar:

ClinVar aggregate classification (germline): Pathogenic (1 of 4 stars; one submission).

Conditions:
Bloom syndrome (BLM). Also called: Bloom-Torre-Machacek syndrome. Identifiers: Orphanet 125, MedGen C0005859, MONDO:0008876, OMIM 210900.

Submission:

Myriad Genetics, Inc.
Classification: Pathogenic for Bloom syndrome. Last evaluated: 2026-04-28. Review status: criteria provided, single submitter. Criteria: Myriad Autosomal Dominant, Autosomal Recessive and X-Linked Classification Criteria (2023). Collection method: clinical testing. Allele origin: unknown.
Comment: This variant is considered pathogenic. This variant creates a termination codon and is predicted to result in premature protein truncation.

NM_000057.4(BLM):c.2352T>G (p.Tyr784Ter)

Gene: BLM (BLM RecQ like helicase; plus strand). Cytogenetic location: 15q26.1.
Variant type: single nucleotide variant.
Coding change: c.2352T>G on transcript NM_000057.4 (MANE Select); coding-DNA position 2352, T replaced by G.
Protein change: p.Tyr784Ter; replaces tyrosine 784 with a stop codon.
Molecular consequence: nonsense.
Genome position (GRCh38, 1-based): chr15:90,769,177, T>G. VCF-style: chr15-90769177-T-G. GRCh37 (hg19) VCF-style: chr15-91312407-T-G.
Other names: c.2352T>G, p.Tyr784Ter (NM_001287246.2, NM_001287247.2); c.1227T>G, p.Tyr409Ter (NM_001287248.2); short protein forms Y409*, Y784*.
Identifiers: ClinVar variation 4876110 (VCV004876110.1).